The following is an entry in ClinVar:

NM_002449.5(MSX2):c.793C>T (p.His265Tyr)

Gene: MSX2 (msh homeobox 2; plus strand). Cytogenetic location: 5q35.2.
Variant type: single nucleotide variant.
Coding change: c.793C>T on transcript NM_002449.5 (MANE Select); coding-DNA position 793, C replaced by T.
Protein change: p.His265Tyr; replaces histidine 265 with tyrosine.
Molecular consequence: missense variant. On other transcripts: 3 prime UTR variant (1).
Genome position (GRCh38, 1-based): chr5:174,729,572, C>T. VCF-style: chr5-174729572-C-T. GRCh37 (hg19) VCF-style: chr5-174156575-C-T.
Other names: c.*417C>T (NM_001363626.2); short protein forms H265Y.
Identifiers: ClinVar variation 931411 (VCV000931411.3), dbSNP rs1760881974, ClinGen allele CA362230633.

ClinVar aggregate classification (germline): Uncertain significance (1 of 4 stars; one submission).

Conditions:
Craniosynostosis 2 (CRS2). Also called: Craniosynostosis Warman type; Craniosynostosis Boston type; Warman-Mulliken-Hayward syndrome. Identifiers: Orphanet 1541, MedGen C1858160, MONDO:0011481, OMIM 604757.

gnomAD v4.1: 2 of 1,610,966 alleles (0.00012%); highest among the groups gnomAD compares: Non-Finnish European, 0.00017%; no homozygotes.

Submission:

Centre for Mendelian Genomics, University Medical Centre Ljubljana
Classification: Uncertain significance for Craniosynostosis 2. Last evaluated: 2018-11-21. Review status: criteria provided, single submitter. Criteria: ACMG Guidelines, 2015. Collection method: clinical testing. Allele origin: unknown. Affected: yes.
Comment: This variant was classified as: Uncertain significance. The available evidence on this variant's pathogenicity is insufficient or conflicting. The following ACMG criteria were applied in classifying this variant: PM2,PP3.